The following is an entry in ClinVar:

NM_015274.3(MAN2B2):c.2923C>A (p.Arg975Ser)

Genes: MAN2B2 (mannosidase alpha class 2B member 2; plus strand), MRFAP1-AS1 (MRFAP1 antisense RNA 1; minus strand). Cytogenetic location: 4p16.1.
Variant type: single nucleotide variant.
Coding change: c.2923C>A on transcript NM_015274.3 (MANE Select); coding-DNA position 2923, C replaced by A.
Protein change: p.Arg975Ser; replaces arginine 975 with serine.
Molecular consequence: missense variant.
Genome position (GRCh38, 1-based): chr4:6,620,035, C>A. VCF-style: chr4-6620035-C-A. GRCh37 (hg19) VCF-style: chr4-6621762-C-A.
Other names: c.2770C>A, p.Arg924Ser (NM_001292038.2); short protein forms R924S, R975S.
Identifiers: ClinVar variation 2347975 (VCV002347975.3), dbSNP rs148481113, ClinGen allele CA2841542.

ClinVar aggregate classification (germline): Uncertain significance. Review status: criteria provided, multiple submitters, no conflicts (2 of 4 stars). 2 submissions from 2 submitters: Uncertain significance (2). Last evaluated 2025-05-21.

Conditions:
Congenital disorder of glycosylation type 1EE with or without immunodeficiency. Identifiers: Orphanet 695110, MedGen C6012707, MONDO:0976261, OMIM 621140.

Allele frequency attached by ClinVar (database versions not stated): ESP Exome Variant Server 0.00123.
gnomAD v4.1: 2,281 of 1,611,622 alleles (0.14%); highest among the groups gnomAD compares: Non-Finnish European, 0.18%; 4 homozygotes.

Submissions (2):

Clinical Genomics Laboratory, Washington University in St. Louis
Classification: Uncertain significance for Congenital disorder of glycosylation type 1EE with or without immunodeficiency. Last evaluated: 2025-05-21. Review status: criteria provided, single submitter. Criteria: ACMG Guidelines, 2015. Collection method: clinical testing. Allele origin: germline.
Comment: The MAN2B2 c.2923C>A (p.Arg975Ser) variant, to our knowledge, has not been reported in the medical literature. The highest population minor allele frequency in the population database genome aggregation database (v.4.1.0) is 0.18% in the European non-Finnish population. Computational predictors suggest that the variant does not impact MAN2B2 function. This variant has been reported in the ClinVar database as a germline variant of uncertain significance by one submitter. Due to limited information, the clinical significance of this variant is uncertain.

Ambry Genetics
Classification: Uncertain significance. Last evaluated: 2021-12-07. Review status: criteria provided, single submitter. Criteria: Ambry Variant Classification Scheme 2023. Collection method: clinical testing. Allele origin: germline.